The following is an entry in ClinVar:

NM_001367624.2(ZNF469):c.2326C>T (p.Pro776Ser)

Gene: ZNF469 (zinc finger protein 469; plus strand). Cytogenetic location: 16q24.2.
Variant type: single nucleotide variant.
Coding change: c.2326C>T on transcript NM_001367624.2 (MANE Select); coding-DNA position 2326, C replaced by T.
Protein change: p.Pro776Ser; replaces proline 776 with serine.
Molecular consequence: missense variant.
Genome position (GRCh38, 1-based): chr16:88,429,796, C>T. VCF-style: chr16-88429796-C-T. GRCh37 (hg19) VCF-style: chr16-88496204-C-T.
Other names: NM_001127464.1:c.2326C>T; short protein forms P776S.
Identifiers: ClinVar variation 3232772 (VCV003232772.1), dbSNP rs1267748187, ClinGen allele CA397071402.

ClinVar aggregate classification (germline): Uncertain significance (1 of 4 stars; one submission).

Conditions:
Cardiovascular phenotype. Identifiers: MedGen CN230736.

Allele frequency attached by ClinVar (database versions not stated): gnomAD exomes 0.00001; TOPMed 0.00001.
gnomAD v4.1: 7 of 1,544,546 alleles (0.00045%); highest among the groups gnomAD compares: South Asian, 0.0012%; no homozygotes.

Submission:

Ambry Genetics
Classification: Uncertain significance for Cardiovascular phenotype. Last evaluated: 2024-01-01. Review status: criteria provided, single submitter. Criteria: Ambry Variant Classification Scheme 2023. Collection method: clinical testing. Allele origin: germline.
Comment: The p.P776S variant (also known as c.2326C>T), located in coding exon 1 of the ZNF469 gene, results from a C to T substitution at nucleotide position 2326. The proline at codon 776 is replaced by serine, an amino acid with similar properties. This amino acid position is conserved. In addition, this alteration is predicted to be tolerated by in silico analysis. Since supporting evidence is limited at this time, the clinical significance of this alteration remains unclear.